The following is an entry in ClinVar:

NM_004336.5(BUB1):c.1778G>A (p.Ser593Asn)

Gene: BUB1 (BUB1 mitotic checkpoint serine/threonine kinase; minus strand). Cytogenetic location: 2q13.
Variant type: single nucleotide variant.
Coding change: c.1778G>A on transcript NM_004336.5 (MANE Select); coding-DNA position 1778, G replaced by A.
Protein change: p.Ser593Asn; replaces serine 593 with asparagine.
Molecular consequence: missense variant.
Genome position (GRCh38, 1-based): chr2:110,655,837, C>T on the plus strand (G>A on the coding strand, the complement: BUB1 is on the minus strand). VCF-style: chr2-110655837-C-T. GRCh37 (hg19) VCF-style: chr2-111413414-C-T.
Other names: c.1718G>A, p.Ser573Asn (NM_001278616.2); c.1778G>A, p.Ser593Asn (NM_001278617.2); short protein forms S573N, S593N.
Identifiers: ClinVar variation 1779911 (VCV001779911.2), dbSNP rs2468001967, ClinGen allele CA348210825.

ClinVar aggregate classification (germline): Uncertain significance (1 of 4 stars; one submission).

Submission:

Ambry Genetics
Classification: Uncertain significance. Last evaluated: 2021-12-30. Review status: criteria provided, single submitter. Criteria: Ambry Variant Classification Scheme 2023. Collection method: clinical testing. Allele origin: germline.
Comment: The p.S593N variant (also known as c.1778G>A), located in coding exon 16 of the BUB1 gene, results from a G to A substitution at nucleotide position 1778. The serine at codon 593 is replaced by asparagine, an amino acid with highly similar properties. This amino acid position is conserved. In addition, this alteration is predicted to be tolerated by in silico analysis. Since supporting evidence is limited at this time, the clinical significance of this alteration remains unclear.